The following is an entry in ClinVar:

NM_000059.4(BRCA2):c.8848A>G (p.Lys2950Glu)

Gene: BRCA2 (BRCA2 DNA repair associated; plus strand). Cytogenetic location: 13q13.1.
Variant type: single nucleotide variant.
Coding change: c.8848A>G on transcript NM_000059.4 (MANE Select); coding-DNA position 8848, A replaced by G.
Protein change: p.Lys2950Glu; replaces lysine 2950 with glutamic acid.
Molecular consequence: missense variant.
Genome position (GRCh38, 1-based): chr13:32,379,410, A>G. VCF-style: chr13-32379410-A-G. GRCh37 (hg19) VCF-style: chr13-32953547-A-G.
Other names: c.8752A>G, p.Lys2918Glu (NM_001406719.1); c.8848A>G, p.Lys2950Glu (NM_001406720.1); c.3916A>G, p.Lys1306Glu (NM_001406721.1); c.2431A>G, p.Lys811Glu (NM_001406722.1); short protein forms K1306E, K2918E, K2950E, K811E.
Identifiers: ClinVar variation 2428161 (VCV002428161.8), dbSNP rs2137619807, ClinGen allele CA387756262.

ClinVar aggregate classification (germline): Uncertain significance (1 of 4 stars; one submission).

Conditions:
Hereditary breast ovarian cancer syndrome. Also called: Hereditary breast and ovarian cancer syndrome (HBOC); Breast and ovarian cancer; Hereditary breast and/or ovarian cancer syndrome; Hereditary breast and ovarian cancer; BRCA1- and BRCA2-Associated Hereditary Breast and Ovarian Cancer; Hereditary breast and ovarian cancer syndrome. Identifiers: Orphanet 145, MedGen C0677776, MeSH D061325, MONDO:0003582. Disease mechanism: loss of function.

Submission:

Labcorp Genetics (formerly Invitae), Labcorp
Classification: Uncertain significance for Hereditary breast ovarian cancer syndrome. Last evaluated: 2024-02-01. Review status: criteria provided, single submitter. Criteria: Invitae Variant Classification Sherloc (09022015). Collection method: clinical testing. Allele origin: germline.
Comment: This sequence change replaces lysine, which is basic and polar, with glutamic acid, which is acidic and polar, at codon 2950 of the BRCA2 protein (p.Lys2950Glu). This variant is not present in population databases (gnomAD no frequency). This variant has not been reported in the literature in individuals affected with BRCA2-related conditions. ClinVar contains an entry for this variant (Variation ID: 2428161). Advanced modeling of protein sequence and biophysical properties (such as structural, functional, and spatial information, amino acid conservation, physicochemical variation, residue mobility, and thermodynamic stability) performed at Invitae indicates that this missense variant is not expected to disrupt BRCA2 protein function with a negative predictive value of 95%. In summary, the available evidence is currently insufficient to determine the role of this variant in disease. Therefore, it has been classified as a Variant of Uncertain Significance.